The following is an entry in ClinVar:

NM_001364905.1(LRBA):c.6659C>T (p.Thr2220Met)

Gene: LRBA (LPS responsive beige-like anchor protein; minus strand). Cytogenetic location: 4q31.3.
Variant type: single nucleotide variant.
Coding change: c.6659C>T on transcript NM_001364905.1 (MANE Select); coding-DNA position 6659, C replaced by T.
Protein change: p.Thr2220Met; replaces threonine 2220 with methionine.
Molecular consequence: missense variant.
Genome position (GRCh38, 1-based): chr4:150,471,632, G>A on the plus strand (C>T on the coding strand, the complement: LRBA is on the minus strand). VCF-style: chr4-150471632-G-A. GRCh37 (hg19) VCF-style: chr4-151392784-G-A.
Other names: c.6659C>T, p.Thr2220Met (NM_001199282.3, NM_001367550.1); c.6692C>T, p.Thr2231Met (NM_006726.5); short protein forms T2220M, T2231M.
Identifiers: ClinVar variation 1425504 (VCV001425504.5), dbSNP rs755810321, ClinGen allele CA3101863.

ClinVar aggregate classification (germline): Uncertain significance (1 of 4 stars; one submission).

Conditions:
Combined immunodeficiency due to LRBA deficiency. Also called: Common variable immunodeficiency 8, with autoimmunity. Identifiers: Orphanet 445018, MedGen C3553512, MONDO:0013863, OMIM 614700.

Allele frequency attached by ClinVar (database versions not stated): gnomAD exomes below 0.00001 and 0.00001; ExAC 0.00001; gnomAD 0.00001.

Submission:

Labcorp Genetics (formerly Invitae), Labcorp
Classification: Uncertain significance for Combined immunodeficiency due to LRBA deficiency. Last evaluated: 2022-10-05. Review status: criteria provided, single submitter. Criteria: Invitae Variant Classification Sherloc (09022015). Collection method: clinical testing. Allele origin: germline.
Comment: This sequence change replaces threonine, which is neutral and polar, with methionine, which is neutral and non-polar, at codon 2231 of the LRBA protein (p.Thr2231Met). This variant is present in population databases (rs755810321, gnomAD 0.003%). This variant has not been reported in the literature in individuals affected with LRBA-related conditions. ClinVar contains an entry for this variant (Variation ID: 1425504). Advanced modeling of protein sequence and biophysical properties (such as structural, functional, and spatial information, amino acid conservation, physicochemical variation, residue mobility, and thermodynamic stability) performed at Invitae indicates that this missense variant is expected to disrupt LRBA protein function. In summary, the available evidence is currently insufficient to determine the role of this variant in disease. Therefore, it has been classified as a Variant of Uncertain Significance.